The following is an entry in ClinVar:

NM_001384140.1(PCDH15):c.548C>A (p.Pro183Gln)

Gene: PCDH15 (protocadherin related 15; minus strand). Cytogenetic location: 10q21.1.
Variant type: single nucleotide variant.
Coding change: c.548C>A on transcript NM_001384140.1 (MANE Select); coding-DNA position 548, C replaced by A.
Protein change: p.Pro183Gln; replaces proline 183 with glutamine.
Molecular consequence: missense variant.
Genome position (GRCh38, 1-based): chr10:54,346,411, G>T on the plus strand (C>A on the coding strand, the complement: PCDH15 is on the minus strand). VCF-style: chr10-54346411-G-T. GRCh37 (hg19) VCF-style: chr10-56106171-G-T.
Other names: c.563C>A, p.Pro188Gln (NM_001142763.2, NM_001142769.4, NM_001142771.2); c.548C>A, p.Pro183Gln (NM_001142764.2, NM_001142765.2, NM_001142766.2 and 8 more transcripts); c.482C>A, p.Pro161Gln (NM_001142768.2, NM_001142773.2, NM_001354404.2); short protein forms P183Q, P161Q, P188Q.
Identifiers: ClinVar variation 2139311 (VCV002139311.2), dbSNP rs552016455, ClinGen allele CA5506663.
Genomic context (GRCh38, chr10:54,346,411, plus strand): 5'-AGGTATTTACATACCGGATCATCTGGATTATACTGAATAACATACTCTATCTGTCCATTT[G>T]GTCCATCATCTATATCTGTAGCTCCATTGTCTCCTGAAAATCCTGTGAATATTGTGGTAC-3'
Protein context (NP_001371069.1, residues 173-193): DNGATDIDDG[Pro183Gln]NGQIEYVIQY

ClinVar aggregate classification (germline): Uncertain significance. Review status: criteria provided, multiple submitters, no conflicts (2 of 4 stars). 2 submissions from 2 submitters: Uncertain significance (2). Last evaluated 2025-05-12.

Conditions:
Inborn genetic diseases. Identifiers: MedGen C0950123, MeSH D030342.

Allele frequency attached by ClinVar (database versions not stated): TOPMed below 0.00001; gnomAD 0.00001; ExAC 0.00002; gnomAD exomes 0.00002; 1000 Genomes Project 30x 0.00016; 1000 Genomes Project 0.00020.
gnomAD v4.1: 12 of 1,613,224 alleles (0.00074%); highest among the groups gnomAD compares: South Asian, 0.0044%; no homozygotes.

Submissions (2):

Ambry Genetics
Classification: Uncertain significance for Inborn genetic diseases. Last evaluated: 2025-05-12. Review status: criteria provided, single submitter. Criteria: Ambry Variant Classification Scheme 2023. Collection method: clinical testing. Allele origin: germline.

Labcorp Genetics (formerly Invitae), Labcorp
Classification: Uncertain significance. Last evaluated: 2022-02-05. Review status: criteria provided, single submitter. Criteria: Invitae Variant Classification Sherloc (09022015). Collection method: clinical testing. Allele origin: germline.
Comment: This sequence change replaces proline, which is neutral and non-polar, with glutamine, which is neutral and polar, at codon 183 of the PCDH15 protein (p.Pro183Gln). This variant is present in population databases (rs552016455, gnomAD 0.01%). This variant has not been reported in the literature in individuals affected with PCDH15-related conditions. Algorithms developed to predict the effect of missense changes on protein structure and function are either unavailable or do not agree on the potential impact of this missense change (SIFT: "Tolerated"; PolyPhen-2: "Probably Damaging"; Align-GVGD: "Class C0"). In summary, the available evidence is currently insufficient to determine the role of this variant in disease. Therefore, it has been classified as a Variant of Uncertain Significance.